The following is an entry in ClinVar:

ClinVar aggregate classification (germline): Uncertain significance (1 of 4 stars; one submission).

Conditions:
Axenfeld-Rieger syndrome type 3 (RIEG3). Also called: AXENFELD-RIEGER ANOMALY WITH CARDIAC DEFECTS AND/OR SENSORINEURAL HEARING LOSS. Identifiers: Orphanet 782, MedGen C2678503, MONDO:0011233, OMIM 602482.

Allele frequency attached by ClinVar (database versions not stated): TOPMed below 0.00001; gnomAD 0.00001.

Submission:

Labcorp Genetics (formerly Invitae), Labcorp
Classification: Uncertain significance for Axenfeld-Rieger syndrome type 3. Last evaluated: 2022-07-19. Review status: criteria provided, single submitter. Criteria: Invitae Variant Classification Sherloc (09022015). Collection method: clinical testing. Allele origin: germline.
Comment: This variant has not been reported in the literature in individuals affected with FOXC1-related conditions. This variant is present in population databases (no rsID available, gnomAD 0.01%). This sequence change replaces proline, which is neutral and non-polar, with glutamine, which is neutral and polar, at codon 202 of the FOXC1 protein (p.Pro202Gln). ClinVar contains an entry for this variant (Variation ID: 1377142). In summary, the available evidence is currently insufficient to determine the role of this variant in disease. Therefore, it has been classified as a Variant of Uncertain Significance. Algorithms developed to predict the effect of missense changes on protein structure and function (SIFT, PolyPhen-2, Align-GVGD) all suggest that this variant is likely to be tolerated.

NM_001453.3(FOXC1):c.605C>A (p.Pro202Gln)

Gene: FOXC1 (forkhead box C1; plus strand). Cytogenetic location: 6p25.3.
Variant type: single nucleotide variant.
Coding change: c.605C>A on transcript NM_001453.3 (MANE Select); coding-DNA position 605, C replaced by A.
Protein change: p.Pro202Gln; replaces proline 202 with glutamine.
Molecular consequence: missense variant.
Genome position (GRCh38, 1-based): chr6:1,611,050, C>A. VCF-style: chr6-1611050-C-A. GRCh37 (hg19) VCF-style: chr6-1611285-C-A.
Other names: short protein forms P202Q.
Identifiers: ClinVar variation 1377142 (VCV001377142.8), dbSNP rs1288507437, ClinGen allele CA362559185.
Genomic context (GRCh38, chr6:1,611,050, plus strand): 5'-ACAAGGAGGAGAAGGACAGGCTGCACCTCAAGGAGCCGCCCCCGCCCGGCCGCCAGCCCC[C>A]GCCCGCGCCGCCGGAGCAGGCCGACGGCAACGCGCCCGGTCCGCAGCCGCCGCCCGTGCG-3'
Protein context (NP_001444.2, residues 192-212): KEPPPPGRQP[Pro202Gln]PAPPEQADGN